The following is an entry in ClinVar:

ClinVar aggregate classification (germline): Uncertain significance. Review status: criteria provided, multiple submitters, no conflicts (2 of 4 stars). 3 submissions from 3 submitters: Uncertain significance (3). Last evaluated 2025-11-10.

Conditions:
Inborn genetic diseases. Identifiers: MedGen C0950123, MeSH D030342.
Parenti-mignot neurodevelopmental syndrome. Identifiers: MedGen C5676984, MONDO:0859249, OMIM 619873.

gnomAD v4.1: 5 of 1,608,652 alleles (0.00031%); highest among the groups gnomAD compares: Non-Finnish European, 0.00042%; no homozygotes.

Submissions (3):

Dasa
Classification: Uncertain significance for Parenti-mignot neurodevelopmental syndrome. Last evaluated: 2025-11-10. Review status: criteria provided, single submitter. Criteria: DASA Assertion Criteria. Collection method: clinical testing. Allele origin: germline.
Comment: NM_015557.3(CHD5):c.896C>T (p.Ser299Leu) is a missense variant that results in the substitution of serine with leucine. This variant is rare in population databases. Computational prediction algorithms are consistent with a deleterious effect. The currently available literature and clinical evidence are not sufficient to establish a definitive association between this variant and the reported condition. Therefore, this variant is classified as a variant of uncertain significance.

Ambry Genetics
Classification: Uncertain significance for Inborn genetic diseases. Last evaluated: 2025-05-07. Review status: criteria provided, single submitter. Criteria: Ambry Variant Classification Scheme 2023. Collection method: clinical testing. Allele origin: germline.

Neuberg Centre For Genomic Medicine, NCGM
Classification: Uncertain significance for Parenti-mignot neurodevelopmental syndrome. Last evaluated: 2024-02-01. Review status: criteria provided, single submitter. Criteria: ACMG Guidelines, 2015. Collection method: clinical testing. Allele origin: germline. Inheritance: Autosomal dominant inheritance. Affected: no.
Comment: The missense variant c.896C>T(p.Ser299Leu) in CHD5 gene has not been reported previously as a pathogenic variant nor as a benign variant, to our knowledge. This variant is absent in gnomAD Exomes. This variant has not been submitted to the ClinVar database. Multiple lines of computational evidence (Polyphen - Probably Damaging, SIFT - Damaging and MutationTaster - Disease causing) predict damaging effect on protein structure and function for this variant. The reference amino acid at this position on CHD5 gene is predicted as conserved by GERP++ and PhyloP across 100 vertebrates. The amino acid Ser at position 299 is changed to a Leu changing protein sequence and it might alter its composition and physico-chemical properties. For these reasons, this variant has been classified as a Variant of Uncertain Significance (VUS).

NM_015557.3(CHD5):c.896C>T (p.Ser299Leu)

Gene: CHD5 (chromodomain helicase DNA binding protein 5; minus strand). Cytogenetic location: 1p36.31.
Variant type: single nucleotide variant.
Coding change: c.896C>T on transcript NM_015557.3 (MANE Select); coding-DNA position 896, C replaced by T.
Protein change: p.Ser299Leu; replaces serine 299 with leucine.
Molecular consequence: missense variant.
Genome position (GRCh38, 1-based): chr1:6,151,130, G>A on the plus strand (C>T on the coding strand, the complement: CHD5 is on the minus strand). VCF-style: chr1-6151130-G-A. GRCh37 (hg19) VCF-style: chr1-6211190-G-A.
Other names: c.896C>T (NM_015557.2); short protein forms S299L.
Identifiers: ClinVar variation 3895491 (VCV003895491.4).